The following is an entry in ClinVar:

ClinVar aggregate classification (germline): Pathogenic (1 of 4 stars; one submission).

Conditions:
Glycogen storage disease, type VI (GSD6). Also called: Glycogen storage disease type 6, due to phosphorylation; GSD VI; Glycogen storage disease type 6; Hepatic glycogen phosphorylase deficiency; HERS DISEASE; PHOSPHORYLASE DEFICIENCY GLYCOGEN-STORAGE DISEASE OF LIVER. Identifiers: Orphanet 369, MedGen C0017925, MONDO:0009294, OMIM 232700.

Submissions (2):

Labcorp Genetics (formerly Invitae), Labcorp
Classification: Pathogenic for Glycogen storage disease, type VI. Last evaluated: 2022-01-06. Review status: criteria provided, single submitter. Criteria: Invitae Variant Classification Sherloc (09022015). Collection method: clinical testing. Allele origin: germline.
Comment: ClinVar contains an entry for this variant (Variation ID: 645342). Disruption of this splice site has been observed in individuals with glycogen storage disease (Invitae). This variant is present in population databases (rs765425704, gnomAD 0.003%). This sequence change affects a donor splice site in intron 6 of the PYGL gene. It is expected to disrupt RNA splicing. Variants that disrupt the donor or acceptor splice site typically lead to a loss of protein function (PMID: 16199547), and loss-of-function variants in PYGL are known to be pathogenic (PMID: 9536091, 21646031). Algorithms developed to predict the effect of sequence changes on RNA splicing suggest that this variant may disrupt the consensus splice site. For these reasons, this variant has been classified as Pathogenic.

Dr. Peter K. Rogan Lab, Western University
No classification provided (evidence only). Condition: Familial cancer of breast. Review status: no classification provided. Collection method: in vitro. Allele origin: not applicable. Functional consequence: skipped exon, retained intron. Not counted in ClinVar's aggregate classification.

Literature cited by the submitters: PubMed 16199547 (cited by Labcorp Genetics (formerly Invitae), Labcorp); PubMed 9536091 (cited by Labcorp Genetics (formerly Invitae), Labcorp); PubMed 21646031 (cited by Labcorp Genetics (formerly Invitae), Labcorp).

NM_002863.5(PYGL):c.772+2_772+3del

Gene: PYGL (glycogen phosphorylase L; minus strand). Cytogenetic location: 14q22.1.
Variant type: Microsatellite.
Coding change: c.772+2_772+3del on transcript NM_002863.5 (MANE Select); the canonical splice donor site of the intron after coding-DNA position 772 through 3 bases into the intron after coding-DNA position 772, 2 bases deleted (TG; older notation c.772+2_772+3delTG).
Molecular consequence: splice donor variant.
Genome position (GRCh38, 1-based): chr14:50,920,953-50,920,954, CA deleted on the plus strand (TG on the coding strand, the reverse complement: PYGL is on the minus strand); deleting any 2 consecutive bases within chr14:50,920,953-50,920,956 gives the same sequence; the c. name uses the placement nearest the transcript's 3' end. VCF-style (leftmost placement, unchanged base first): chr14-50920952-TCA-T. GRCh37 (hg19) VCF-style: chr14-51387670-TCA-T.
Other names: NC_000014.8:g.51387673_51387674del; c.772+2_772+3delTG (NM_002863.4); c.670+2_670+3del (NM_001163940.2); c.772_772+1del (NM_002863.5).
Identifiers: ClinVar variation 645342 (VCV000645342.9), dbSNP rs765425704, ClinGen allele CA7183691.